The following is an entry in ClinVar:

NM_001563.4(IMPG1):c.321G>A (p.Trp107Ter)

Gene: IMPG1 (interphotoreceptor matrix proteoglycan 1; minus strand). Cytogenetic location: 6q14.1.
Variant type: single nucleotide variant.
Coding change: c.321G>A on transcript NM_001563.4 (MANE Select); coding-DNA position 321, G replaced by A.
Protein change: p.Trp107Ter; replaces tryptophan 107 with a stop codon.
Molecular consequence: nonsense.
Genome position (GRCh38, 1-based): chr6:76,034,768, C>T on the plus strand (G>A on the coding strand, the complement: IMPG1 is on the minus strand). VCF-style: chr6-76034768-C-T. GRCh37 (hg19) VCF-style: chr6-76744485-C-T.
Other names: c.87G>A, p.Trp29Ter (NM_001282368.2); short protein forms W29*, W107*.
Identifiers: ClinVar variation 1427314 (VCV001427314.6), dbSNP rs778553127, ClinGen allele CA3898571.

ClinVar aggregate classification (germline): Pathogenic (1 of 4 stars; one submission).

Allele frequency attached by ClinVar (database versions not stated): gnomAD exomes below 0.00001; ExAC 0.00001.

Submission:

Labcorp Genetics (formerly Invitae), Labcorp
Classification: Pathogenic. Last evaluated: 2023-08-10. Review status: criteria provided, single submitter. Criteria: Invitae Variant Classification Sherloc (09022015). Collection method: clinical testing. Allele origin: germline.
Comment: For these reasons, this variant has been classified as Pathogenic. ClinVar contains an entry for this variant (Variation ID: 1427314). This variant has not been reported in the literature in individuals affected with IMPG1-related conditions. This variant is present in population databases (rs778553127, gnomAD 0.0009%). This sequence change creates a premature translational stop signal (p.Trp107*) in the IMPG1 gene. It is expected to result in an absent or disrupted protein product. Loss-of-function variants in IMPG1 are known to be pathogenic (PMID: 23993198).

Literature cited by the submitters: PubMed 23993198.